The following is an entry in ClinVar:

ClinVar aggregate classification (germline): Likely benign (1 of 4 stars; one submission).

Allele frequency attached by ClinVar (database versions not stated): 1000 Genomes Project 30x 0.00156; 1000 Genomes Project 0.00160; ESP Exome Variant Server 0.00338; ExAC 0.00381; TOPMed 0.00392; gnomAD 0.00399; gnomAD exomes 0.00554.

Submission:

CeGaT Center for Human Genetics Tuebingen
Classification: Likely benign. Last evaluated: 2023-04-01. Review status: criteria provided, single submitter. Criteria: CeGaT Center For Human Genetics Tuebingen Variant Classification Criteria Version 2. Collection method: clinical testing. Allele origin: germline. Affected: yes. Observed: 4 variant alleles.
Comment: PARP4: BS2

NM_006437.4(PARP4):c.113C>T (p.Ser38Phe)

Genes: PARP4 (poly(ADP-ribose) polymerase family member 4; minus strand), LOC124849297 (Sharpr-MPRA regulatory region 4719; plus strand). Cytogenetic location: 13q12.12.
Variant type: single nucleotide variant.
Coding change: c.113C>T on transcript NM_006437.4 (MANE Select); coding-DNA position 113, C replaced by T.
Protein change: p.Ser38Phe; replaces serine 38 with phenylalanine.
Molecular consequence: missense variant.
Genome position (GRCh38, 1-based): chr13:24,503,664, G>A on the plus strand (C>T on the coding strand, the complement: PARP4 is on the minus strand). VCF-style: chr13-24503664-G-A. GRCh37 (hg19) VCF-style: chr13-25077802-G-A.
Other names: short protein forms S38F.
Identifiers: ClinVar variation 2643692 (VCV002643692.24), dbSNP rs141289254, ClinGen allele CA6916655.